The following is an entry in ClinVar:

ClinVar aggregate classification (germline): Uncertain significance. Review status: criteria provided, multiple submitters, no conflicts (2 of 4 stars). 2 submissions from 2 submitters: Uncertain significance (2). Last evaluated 2025-09-13.

Submissions (2):

Mayo Clinic Laboratories, Mayo Clinic
Classification: Uncertain significance. Last evaluated: 2025-09-13. Review status: criteria provided, single submitter. Criteria: ACMG Guidelines, 2015. Collection method: clinical testing. Allele origin: germline. Observed: 1 variant allele.
Comment: BP4_moderate, PM2_supporting

GeneDx
Classification: Uncertain significance. Last evaluated: 2022-11-10. Review status: criteria provided, single submitter. Criteria: GeneDx Variant Classification Process June 2021. Collection method: clinical testing. Allele origin: germline. Affected: yes.
Comment: Not observed at significant frequency in large population cohorts (gnomAD); In silico analysis supports that this missense variant does not alter protein structure/function; Has not been previously published as pathogenic or benign to our knowledge

NM_177438.3(DICER1):c.4829T>C (p.Phe1610Ser)

Gene: DICER1 (dicer 1, ribonuclease III; minus strand). Cytogenetic location: 14q32.13.
Variant type: single nucleotide variant.
Coding change: c.4829T>C on transcript NM_177438.3 (MANE Select); coding-DNA position 4829, T replaced by C.
Protein change: p.Phe1610Ser; replaces phenylalanine 1610 with serine.
Molecular consequence: missense variant. On other transcripts: non-coding transcript variant (6).
Genome position (GRCh38, 1-based): chr14:95,096,091, A>G on the plus strand (T>C on the coding strand, the complement: DICER1 is on the minus strand). VCF-style: chr14-95096091-A-G. GRCh37 (hg19) VCF-style: chr14-95562428-A-G.
Other names: p.Phe1610Ser; c.4829T>C, p.Phe1610Ser (NM_001195573.1, NM_001271282.3, NM_001291628.2 and 13 more transcripts); c.4547T>C, p.Phe1516Ser (NM_001395686.1); c.4424T>C, p.Phe1475Ser (NM_001395687.1, NM_001395688.1, NM_001395689.1 and 2 more transcripts); c.4262T>C, p.Phe1421Ser (NM_001395691.1); c.3146T>C, p.Phe1049Ser (NM_001395697.1); short protein forms F1049S, F1421S, F1475S, F1516S, F1610S.
Identifiers: ClinVar variation 2501902 (VCV002501902.2), dbSNP rs2139842544, ClinGen allele CA390866906.